The following is an entry in ClinVar:

NM_001378454.1(ALMS1):c.1899A>G (p.Gln633=)

Gene: ALMS1 (ALMS1 centrosome and basal body associated protein; plus strand). Cytogenetic location: 2p13.1.
Variant type: single nucleotide variant.
Coding change: c.1899A>G on transcript NM_001378454.1 (MANE Select); coding-DNA position 1899, A replaced by G.
Protein change: p.Gln633=; no amino-acid change (glutamine 633 retained).
Molecular consequence: synonymous variant.
Genome position (GRCh38, 1-based): chr2:73,448,426, A>G. VCF-style: chr2-73448426-A-G. GRCh37 (hg19) VCF-style: chr2-73675553-A-G.
Other names: c.1902A>G, p.Gln634= (NM_015120.4).
Identifiers: ClinVar variation 390645 (VCV000390645.21), dbSNP rs116033693, ClinGen allele CA1713240.
Genomic context (GRCh38, chr2:73,448,426, plus strand): 5'-CATGTCAACTCTAACCTCTACTTCCTACTCACATAGAGAGAAGCCTGGTACTTTTTACCA[A>G]CAAGAGTTACCAGAGAGTAACTTAACCGAAGAGCCTTTGGAAGTTTCAGCTGCTCCTGGC-3'
Protein context (NP_001365383.1, residues 623-643): SHREKPGTFY[Gln633=]QELPESNLTE

ClinVar aggregate classification (germline): Benign. Review status: criteria provided, multiple submitters, no conflicts (2 of 4 stars). 8 submissions from 8 submitters: Benign (7). 1 of the submissions does not count toward it. Last evaluated 2026-02-03.

Conditions:
Cardiovascular phenotype. Identifiers: MedGen CN230736.
Alstrom syndrome (ALMS). Identifiers: Orphanet 64, MedGen C0268425, MONDO:0008763, OMIM 203800.

Allele frequency attached by ClinVar (database versions not stated): gnomAD exomes 0.00302; ExAC 0.00384; gnomAD 0.01214 and 0.01292; ESP Exome Variant Server 0.01226; TOPMed 0.01385; 1000 Genomes Project 30x 0.01452; 1000 Genomes Project 0.01478.
gnomAD v4.1: 3,628 of 1,614,008 alleles (0.22%); highest among the groups gnomAD compares: African/African-American, 4.3%; 81 homozygotes.

Submissions (8):

Labcorp Genetics (formerly Invitae), Labcorp
Classification: Benign for Alstrom syndrome. Last evaluated: 2026-02-03. Review status: criteria provided, single submitter. Criteria: Invitae Variant Classification Sherloc (09022015). Collection method: clinical testing. Allele origin: germline.

ARUP Laboratories, Molecular Genetics and Genomics, ARUP Laboratories
Classification: Benign for Alstrom syndrome. Last evaluated: 2025-03-31. Review status: criteria provided, single submitter. Criteria: ARUP Molecular Germline Variant Investigation Process 2024. Collection method: clinical testing. Allele origin: germline.

Ambry Genetics
Classification: Benign for Cardiovascular phenotype. Last evaluated: 2019-01-07. Review status: criteria provided, single submitter. Criteria: Ambry Variant Classification Scheme 2023. Collection method: clinical testing. Allele origin: germline.

Athena Diagnostics
Classification: Benign. Last evaluated: 2018-05-24. Review status: criteria provided, single submitter. Criteria: Athena Diagnostics Criteria. Collection method: clinical testing. Allele origin: germline.

GeneDx
Classification: Benign. Last evaluated: 2016-10-28. Review status: criteria provided, single submitter. Criteria: GeneDx Variant Classification (06012015). Collection method: clinical testing. Allele origin: germline. Affected: yes.
Comment: This variant is considered likely benign or benign based on one or more of the following criteria: it is a conservative change, it occurs at a poorly conserved position in the protein, it is predicted to be benign by multiple in silico algorithms, and/or has population frequency not consistent with disease.

Laboratory for Molecular Medicine, Mass General Brigham Personalized Medicine
Classification: Benign. Last evaluated: 2016-03-21. Review status: criteria provided, single submitter. Criteria: LMM Criteria. Collection method: clinical testing. Allele origin: germline. Observed: 3 variant alleles.
Comment: p.Gln632Gln in exon 8 of ALMS1: This variant is not expected to have clinical si gnificance because it does not alter an amino acid residue, is not located withi n the splice consensus sequence, and has been identified in 4.44% (435/9796) of African chromosomes by the Exome Aggregation Consortium (ExAC; dbSNP rs116033693).

Breakthrough Genomics
Classification: Benign. Review status: criteria provided, single submitter. Criteria: ACMG Guidelines, 2015. Collection method: not provided. Allele origin: germline. Inheritance: Autosomal recessive inheritance. Affected: yes.

Natera, Inc.
Classification: Benign for Alstrom syndrome. Last evaluated: 2020-09-16. Review status: no assertion criteria provided. Collection method: clinical testing. Allele origin: germline. Not counted in ClinVar's aggregate classification.